The following is an entry in ClinVar:

NM_001375405.1(CEP120):c.280T>A (p.Tyr94Asn)

Gene: CEP120 (centrosomal protein 120; minus strand). Cytogenetic location: 5q23.2.
Variant type: single nucleotide variant.
Coding change: c.280T>A on transcript NM_001375405.1 (MANE Select); coding-DNA position 280, T replaced by A.
Protein change: p.Tyr94Asn; replaces tyrosine 94 with asparagine.
Molecular consequence: missense variant. On other transcripts: 5 prime UTR variant (2), non-coding transcript variant (1).
Genome position (GRCh38, 1-based): chr5:123,416,051, A>T on the plus strand (T>A on the coding strand, the complement: CEP120 is on the minus strand). VCF-style: chr5-123416051-A-T. GRCh37 (hg19) VCF-style: chr5-122751745-A-T.
Other names: c.202T>A, p.Tyr68Asn (NM_001166226.2); c.280T>A, p.Tyr94Asn (NM_001375406.1, NM_001375407.1, NM_153223.4); c.-469T>A (NM_001375408.1); c.-411T>A (NM_001375409.1); short protein forms Y68N, Y94N.
Identifiers: ClinVar variation 1639673 (VCV001639673.13), dbSNP rs777235472, ClinGen allele CA3387297.

ClinVar aggregate classification (germline): Conflicting classifications of pathogenicity. Review status: criteria provided, conflicting classifications (1 of 4 stars). 4 submissions from 4 submitters: Uncertain significance (1); Likely benign (3). Last evaluated 2026-02-02.

Conditions:
Short-rib thoracic dysplasia 13 with or without polydactyly (SRTD13). Identifiers: Orphanet 474, MedGen C4225378, MONDO:0014577, OMIM 616300.
Inborn genetic diseases. Identifiers: MedGen C0950123, MeSH D030342.

Allele frequency attached by ClinVar (database versions not stated): gnomAD 0.00007; TOPMed 0.00023; gnomAD exomes 0.00041; ExAC 0.00043.
gnomAD v4.1: 120 of 1,613,976 alleles (0.0074%); highest among the groups gnomAD compares: Admixed American, 0.2%; no homozygotes.

Submissions (4):

Labcorp Genetics (formerly Invitae), Labcorp
Classification: Likely benign for Short-rib thoracic dysplasia 13 with or without polydactyly. Last evaluated: 2026-02-02. Review status: criteria provided, single submitter. Criteria: Invitae Variant Classification Sherloc (09022015). Collection method: clinical testing. Allele origin: germline.

Blueprint Genetics
Classification: Likely benign. Last evaluated: 2024-11-26. Review status: criteria provided, single submitter. Criteria: ACMG Guidelines, 2015. Collection method: clinical testing. Allele origin: germline.

GeneDx
Classification: Uncertain significance. Last evaluated: 2024-08-11. Review status: criteria provided, single submitter. Criteria: GeneDx Variant Classification Process June 2021. Collection method: clinical testing. Allele origin: germline.
Comment: In silico analysis supports that this missense variant has a deleterious effect on protein structure/function; Has not been previously published as pathogenic or benign to our knowledge

Ambry Genetics
Classification: Likely benign for Inborn genetic diseases. Last evaluated: 2022-01-31. Review status: criteria provided, single submitter. Criteria: Ambry Variant Classification Scheme 2023. Collection method: clinical testing. Allele origin: germline.